The following is an entry in ClinVar:

NM_031220.4(PITPNM3):c.592A>G (p.Asn198Asp)

Gene: PITPNM3 (PITPNM family member 3; minus strand). Cytogenetic location: 17p13.2.
Variant type: single nucleotide variant.
Coding change: c.592A>G on transcript NM_031220.4 (MANE Select); coding-DNA position 592, A replaced by G.
Protein change: p.Asn198Asp; replaces asparagine 198 with aspartic acid.
Molecular consequence: missense variant.
Genome position (GRCh38, 1-based): chr17:6,478,732, T>C on the plus strand (A>G on the coding strand, the complement: PITPNM3 is on the minus strand). VCF-style: chr17-6478732-T-C. GRCh37 (hg19) VCF-style: chr17-6382052-T-C.
Other names: c.484A>G, p.Asn162Asp (NM_001165966.2); short protein forms N162D, N198D.
Identifiers: ClinVar variation 2090187 (VCV002090187.4), dbSNP rs2544019388, ClinGen allele CA397409414.

ClinVar aggregate classification (germline): Uncertain significance (1 of 4 stars; one submission).

Submission:

Labcorp Genetics (formerly Invitae), Labcorp
Classification: Uncertain significance. Last evaluated: 2022-05-15. Review status: criteria provided, single submitter. Criteria: Invitae Variant Classification Sherloc (09022015). Collection method: clinical testing. Allele origin: germline.
Comment: In summary, the available evidence is currently insufficient to determine the role of this variant in disease. Therefore, it has been classified as a Variant of Uncertain Significance. Algorithms developed to predict the effect of missense changes on protein structure and function (SIFT, PolyPhen-2, Align-GVGD) all suggest that this variant is likely to be tolerated. This variant has not been reported in the literature in individuals affected with PITPNM3-related conditions. This variant is not present in population databases (gnomAD no frequency). This sequence change replaces asparagine, which is neutral and polar, with aspartic acid, which is acidic and polar, at codon 198 of the PITPNM3 protein (p.Asn198Asp).